The following is an entry in ClinVar:

ClinVar aggregate classification (germline): Pathogenic. Review status: reviewed by expert panel (3 of 4 stars). 10 submissions from 10 submitters: Pathogenic (1). 9 of the submissions do not count toward it. Last evaluated 2016-09-08.

Conditions:
Hereditary cancer-predisposing syndrome. Also called: Tumor predisposition; Neoplastic Syndromes, Hereditary; Hereditary Cancer Syndrome; Hereditary neoplastic syndrome. Identifiers: Orphanet 140162, MedGen C0027672, MeSH D009386, MONDO:0015356.
Hereditary breast ovarian cancer syndrome. Also called: Hereditary breast and ovarian cancer syndrome (HBOC); Hereditary breast and ovarian cancer syndrome; Hereditary breast and ovarian cancer; Hereditary breast and/or ovarian cancer syndrome; Breast and ovarian cancer; BRCA1- and BRCA2-Associated Hereditary Breast and Ovarian Cancer. Identifiers: Orphanet 145, MedGen C0677776, MeSH D061325, MONDO:0003582. Disease mechanism: loss of function.
Breast-ovarian cancer, familial, susceptibility to, 1 (BROVCA1). Also called: OVARIAN CANCER, SUSCEPTIBILITY TO; BRCA1 Hereditary Breast and Ovarian Cancer. Identifiers: Orphanet 145, MedGen C2676676, MONDO:0011450, OMIM 604370. Disease mechanism: loss of function.

Allele frequency attached by ClinVar (database versions not stated): TOPMed below 0.00001; gnomAD 0.00001.

Submissions (10):

Evidence-based Network for the Interpretation of Germline Mutant Alleles (ENIGMA)
Classification: Pathogenic for Breast-ovarian cancer, familial, susceptibility to, 1. Last evaluated: 2016-09-08. Review status: reviewed by expert panel. Criteria: ENIGMA BRCA1/2 Classification Criteria (2015). Collection method: curation. Allele origin: germline.
Comment: Variant allele predicted to encode a truncated non-functional protein.

Labcorp Genetics (formerly Invitae), Labcorp
Classification: Pathogenic for Hereditary breast ovarian cancer syndrome. Last evaluated: 2025-10-13. Review status: criteria provided, single submitter. Criteria: Invitae Variant Classification Sherloc (09022015). Collection method: clinical testing. Allele origin: germline. Not counted in ClinVar's aggregate classification.
Comment: This sequence change creates a premature translational stop signal (p.Gln1096Lysfs*13) in the BRCA1 gene. It is expected to result in an absent or disrupted protein product. Loss-of-function variants in BRCA1 are known to be pathogenic (PMID: 20104584). This variant is not present in population databases (gnomAD no frequency). This premature translational stop signal has been observed in individual(s) with breast cancer (PMID: 17026620). ClinVar contains an entry for this variant (Variation ID: 54819). For these reasons, this variant has been classified as Pathogenic.

All of Us Research Program, National Institutes of Health
Classification: Pathogenic for Breast-ovarian cancer, familial, susceptibility to, 1. Last evaluated: 2023-12-13. Review status: criteria provided, single submitter. Criteria: ACMG Guidelines, 2015. Collection method: clinical testing. Allele origin: germline. Inheritance: Autosomal dominant inheritance. Observed: 1 variant allele, 1 heterozygote. Not counted in ClinVar's aggregate classification.
Comment: This variant deletes 1 nucleotide in exon 10 of the BRCA1 gene, creating a frameshift and premature translation stop signal. This variant is expected to result in an absent or non-functional protein product. To our knowledge, functional studies have not been reported for this variant. This variant has been detected in an individual affected with breast cancer and a suspected hereditary breast and ovarian cancer family (PMID: 16267036; Color internal data). This variant has not been identified in the general population by the Genome Aggregation Database (gnomAD). Loss of BRCA1 function is a known mechanism of disease. Based on the available evidence, this variant is classified as Pathogenic.

This study involves interpretation of variants in research participants for the purpose of population health screening. Participant phenotype was not available at the time of variant classification. Additional details can be found in publication PMID: 35346344, PMCID: PMC8962531

Color Diagnostics, LLC DBA Color Health
Classification: Pathogenic for Hereditary cancer-predisposing syndrome. Last evaluated: 2023-10-19. Review status: criteria provided, single submitter. Criteria: ACMG Guidelines, 2015. Collection method: clinical testing. Allele origin: germline. Not counted in ClinVar's aggregate classification.
Comment: This variant deletes 1 nucleotide in exon 10 of the BRCA1 gene, creating a frameshift and premature translation stop signal. This variant is expected to result in an absent or non-functional protein product. To our knowledge, functional studies have not been reported for this variant. This variant has been detected in an individual affected with breast cancer and a suspected hereditary breast and ovarian cancer family (PMID: 16267036; Color internal data). This variant has not been identified in the general population by the Genome Aggregation Database (gnomAD). Loss of BRCA1 function is a known mechanism of disease. Based on the available evidence, this variant is classified as Pathogenic.

GeneDx
Classification: Pathogenic. Last evaluated: 2023-07-03. Review status: criteria provided, single submitter. Criteria: GeneDx Variant Classification Process June 2021. Collection method: clinical testing. Allele origin: germline. Affected: yes. Not counted in ClinVar's aggregate classification.
Comment: Frameshift variant predicted to result in protein truncation or nonsense mediated decay in a gene for which loss of function is a known mechanism of disease; Not observed at significant frequency in large population cohorts (gnomAD); Truncating variants in this gene are considered pathogenic by a well-established clinical consortium and/or database; Observed in families with breast and/or ovarian cancer (Gayther et al., 1999; Naseem et al., 2006); Also known as 3405del; This variant is associated with the following publications: (PMID: 17026620, 26600092, 10486320, 30702160, 36169650, 16267036, 24631698, 28569743, 26269718)

Baylor Genetics
Classification: Pathogenic for Breast-ovarian cancer, familial, susceptibility to, 1. Last evaluated: 2023-06-23. Review status: criteria provided, single submitter. Criteria: ACMG Guidelines, 2015. Collection method: clinical testing. Allele origin: unknown. Not counted in ClinVar's aggregate classification.

Ambry Genetics
Classification: Pathogenic for Hereditary cancer-predisposing syndrome. Last evaluated: 2023-05-23. Review status: criteria provided, single submitter. Criteria: Ambry Variant Classification Scheme 2023. Collection method: clinical testing. Allele origin: germline. Not counted in ClinVar's aggregate classification.
Comment: The c.3286delC pathogenic mutation, located in coding exon 9 of the BRCA1 gene, results from a deletion of one nucleotide at nucleotide position 3286, causing a translational frameshift with a predicted alternate stop codon (p.Q1096Kfs*13). This alteration was identified in a breast/ovarian cancer family (Judkins, T et al. Cancer Res. 2005 Nov 1;65(21):10096-103). Of note, this alteration is also known as 3405delC in published literature. In addition to the clinical data presented in the literature, this alteration is expected to result in loss of function by premature protein truncation or nonsense-mediated mRNA decay. As such, this alteration is interpreted as a disease-causing mutation.

Women's Health and Genetics/Laboratory Corporation of America, LabCorp
Classification: Pathogenic for Hereditary breast and ovarian cancer syndrome. Last evaluated: 2019-12-16. Review status: criteria provided, single submitter. Criteria: LabCorp Variant Classification Summary - May 2015. Collection method: clinical testing. Allele origin: germline. Not counted in ClinVar's aggregate classification.
Comment: Variant summary: BRCA1 c.3286delC (p.Gln1096LysfsX13) results in a premature termination codon, predicted to cause a truncation of the encoded protein or absence of the protein due to nonsense mediated decay, which are commonly known mechanisms for disease. Truncations downstream of this position have been classified as pathogenic by our laboratory. The variant was absent in 250634 control chromosomes. c.3286delC has been reported in the literature in individuals affected with Breast and/or Ovarian Cancer (Judkins_2005, Naseem_2006, Bonds_2014). These data indicate that the variant may be associated with disease. To our knowledge, no experimental evidence demonstrating an impact on protein function has been reported. Four clinical diagnostic laboratories have submitted clinical-significance assessments for this variant to ClinVar after 2014 without evidence for independent evaluation. All laboratories classified the variant as pathogenic. Based on the evidence outlined above, the variant was classified as pathogenic.

Counsyl
Classification: Pathogenic for Breast-ovarian cancer, familial, susceptibility to, 1. Last evaluated: 2017-04-11. Review status: no assertion criteria provided. Collection method: clinical testing. Allele origin: unknown. Not counted in ClinVar's aggregate classification.

Breast Cancer Information Core (BIC) (BRCA1)
Classification: Pathogenic for Breast-ovarian cancer, familial 1. Last evaluated: 2003-12-23. Review status: no assertion criteria provided. Collection method: clinical testing. Allele origin: germline. Affected: yes. Observed: 1 variant allele. Not counted in ClinVar's aggregate classification.

Literature cited by the submitters: PubMed 20104584 (cited by Labcorp Genetics (formerly Invitae), Labcorp); PubMed 17026620 (cited by 3 submitters); PubMed 16267036 (cited by 3 submitters); PubMed 24631698 (cited by Women's Health and Genetics/Laboratory Corporation of America, LabCorp and Counsyl).

NM_007294.4(BRCA1):c.3286del (p.Gln1096fs)

Genes: BRCA1 (BRCA1 DNA repair associated; minus strand), LOC126862571 (BRD4-independent group 4 enhancer GRCh37_chr17:41243136-41244335; plus strand). Cytogenetic location: 17q21.31.
Variant type: Deletion.
Coding change: c.3286del on transcript NM_007294.4 (MANE Select); coding-DNA position 3286, one base deleted (C; older notation c.3286delC).
Protein change: p.Gln1096fs; shifts the reading frame from glutamine 1096.
Molecular consequence: frameshift variant. On other transcripts: intron variant (137).
Genome position (GRCh38, 1-based): chr17:43,092,245, G deleted on the plus strand (C on the coding strand, the reverse complement: BRCA1 is on the minus strand). VCF-style (leftmost placement, unchanged base first): chr17-43092244-TG-T. GRCh37 (hg19) VCF-style: chr17-41244261-TG-T.
Other names: 3405delC; c.3073del, p.Gln1025fs (NM_001407571.1, NM_001407853.1, NM_001407894.1 and 9 more transcripts); c.3286del, p.Gln1096fs (NM_001407581.1, NM_001407582.1, NM_001407583.1 and 30 more transcripts); c.3283del, p.Gln1095fs (NM_001407587.1, NM_001407590.1, NM_001407591.1 and 22 more transcripts); c.3277del, p.Gln1093fs (NM_001407646.1, NM_001407647.1); c.3163del, p.Gln1055fs (NM_001407648.1, NM_001407664.1, NM_001407665.1 and 19 more transcripts); c.3160del, p.Gln1054fs (NM_001407649.1, NM_001407670.1, NM_001407671.1 and 11 more transcripts); c.3208del, p.Gln1070fs (NM_001407653.1, NM_001407654.1, NM_001407655.1 and 4 more transcripts); and 43 more; short protein forms Q1096fs, Q1049fs, Q1025fs, Q1028fs, Q1054fs, Q1095fs, Q800fs, Q1029fs.
Identifiers: ClinVar variation 54819 (VCV000054819.25), dbSNP rs80357533, ClinGen allele CA002119.
Genomic context (GRCh38, chr17:43,092,244, plus strand): 5'-ACTTCTTCATATTCTTGCTTTTTTATTTCAGGATGCTTACAATTACTTCCAGGAAGACTT[TG>T]TTTATAGACCTCAGGTTGCAAAACCCCTAATCTAAGCATAGCATTCAATTTTGGCCCTCT-3'